The following is an entry in ClinVar:

ClinVar aggregate classification (germline): Conflicting classifications of pathogenicity. Review status: criteria provided, conflicting classifications (1 of 4 stars). 2 submissions from 2 submitters: Likely pathogenic (1); Uncertain significance (1). Last evaluated 2025-09-16.

Conditions:
Deficiency of aromatic-L-amino-acid decarboxylase. Also called: Aromatic amino acid decarboxylase deficiency; AADC DEFICIENCY; DDC DEFICIENCY; DOPA DECARBOXYLASE DEFICIENCY; Aromatic L-Amino Acid Decarboxylase Deficiency. Identifiers: Orphanet 35708, MedGen C1291564, MONDO:0012084, OMIM 608643.

Allele frequency attached by ClinVar (database versions not stated): gnomAD exomes 0.00002; gnomAD 0.00003; TOPMed 0.00003.

Submissions (2):

GeneDx
Classification: Likely pathogenic. Last evaluated: 2025-09-16. Review status: criteria provided, single submitter. Criteria: GeneDx Variant Classification Process June 2021. Collection method: clinical testing. Allele origin: germline. Affected: yes.
Comment: Intronic variant directly or indirectly altering the +5 splice site in a gene for which loss of function is a known mechanism of disease, and splice predictors support a deleterious effect; Not observed at significant frequency in large population cohorts (gnomAD); Has not been previously published as pathogenic or benign to our knowledge

Labcorp Genetics (formerly Invitae), Labcorp
Classification: Uncertain significance for Deficiency of aromatic-L-amino-acid decarboxylase. Last evaluated: 2023-10-03. Review status: criteria provided, single submitter. Criteria: Invitae Variant Classification Sherloc (09022015). Collection method: clinical testing. Allele origin: germline.
Comment: This sequence change falls in intron 11 of the DDC gene. It does not directly change the encoded amino acid sequence of the DDC protein. It affects a nucleotide within the consensus splice site. This variant is present in population databases (no rsID available, gnomAD 0.004%). This variant has not been reported in the literature in individuals affected with DDC-related conditions. ClinVar contains an entry for this variant (Variation ID: 955933). Variants that disrupt the consensus splice site are a relatively common cause of aberrant splicing (PMID: 17576681, 9536098). Algorithms developed to predict the effect of sequence changes on RNA splicing suggest that this variant may disrupt the consensus splice site. In summary, the available evidence is currently insufficient to determine the role of this variant in disease. Therefore, it has been classified as a Variant of Uncertain Significance.

Literature cited by the submitters: PubMed 17576681 (cited by Labcorp Genetics (formerly Invitae), Labcorp); PubMed 9536098 (cited by Labcorp Genetics (formerly Invitae), Labcorp).

NM_001082971.2(DDC):c.1041+5G>A

Gene: DDC (dopa decarboxylase; minus strand). Cytogenetic location: 7p12.2.
Variant type: single nucleotide variant.
Coding change: c.1041+5G>A on transcript NM_001082971.2 (MANE Select); 5 bases into the intron after coding-DNA position 1041, G replaced by A.
Molecular consequence: intron variant.
Genome position (GRCh38, 1-based): chr7:50,476,619, C>T on the plus strand (G>A on the coding strand, the complement: DDC is on the minus strand). VCF-style: chr7-50476619-C-T. GRCh37 (hg19) VCF-style: chr7-50544317-C-T.
Other names: c.807+5G>A (NM_001242888.2); c.927+5G>A (NM_001242886.2); c.762+5G>A (NM_001242889.2); c.897+5G>A (NM_001242887.2); c.1041+5G>A (NM_000790.4).
Identifiers: ClinVar variation 955933 (VCV000955933.7), dbSNP rs1006854027, ClinGen allele CA158225553.
Genomic context (GRCh38, chr7:50,476,619, plus strand): 5'-CAGCTGTGGCGTAGCCCCCCAGCACTCCACTAGCATTTGAGATTACAGTGGAATCTCCCA[C>T]TTACCCGGTAGTCAGTGATAAGCCCTGGAGAAAAGAGAAAGAAAAAGAAAAAAGAAATCG-3'